The following is an entry in ClinVar:

NM_007327.4(GRIN1):c.1931T>C (p.Val644Ala)

Gene: GRIN1 (glutamate ionotropic receptor NMDA type subunit 1; plus strand). Cytogenetic location: 9q34.3.
Variant type: single nucleotide variant.
Coding change: c.1931T>C on transcript NM_007327.4 (MANE Select); coding-DNA position 1931, T replaced by C.
Protein change: p.Val644Ala; replaces valine 644 with alanine.
Molecular consequence: missense variant.
Genome position (GRCh38, 1-based): chr9:137,162,657, T>C. VCF-style: chr9-137162657-T-C. GRCh37 (hg19) VCF-style: chr9-140057109-T-C.
Other names: c.1931T>C, p.Val644Ala (NM_000832.7, NM_021569.4); c.1994T>C, p.Val665Ala (NM_001185090.2, NM_001185091.2); short protein forms V644A, V665A.
Identifiers: ClinVar variation 2005963 (VCV002005963.4), dbSNP rs2538640791, ClinGen allele CA375720729.

ClinVar aggregate classification (germline): Likely pathogenic (1 of 4 stars; one submission).

Conditions:
Neurodevelopmental disorder with or without hyperkinetic movements and seizures, autosomal dominant. Also called: Intellectual disability, autosomal dominant 8. Identifiers: MedGen C3280282, MONDO:0013655, OMIM 614254.

Submission:

Labcorp Genetics (formerly Invitae), Labcorp
Classification: Likely pathogenic for Neurodevelopmental disorder with or without hyperkinetic movements and seizures, autosomal dominant. Last evaluated: 2023-10-18. Review status: criteria provided, single submitter. Criteria: Invitae Variant Classification Sherloc (09022015). Collection method: clinical testing. Allele origin: germline.
Comment: This sequence change replaces valine, which is neutral and non-polar, with alanine, which is neutral and non-polar, at codon 644 of the GRIN1 protein (p.Val644Ala). This variant is not present in population databases (gnomAD no frequency). This missense change has been observed in individual(s) with GRIN1-related conditions (Invitae). In at least one individual the variant was observed to be de novo. ClinVar contains an entry for this variant (Variation ID: 2005963). Advanced modeling of protein sequence and biophysical properties (such as structural, functional, and spatial information, amino acid conservation, physicochemical variation, residue mobility, and thermodynamic stability) has been performed at Invitae for this missense variant, however the output from this modeling did not meet the statistical confidence thresholds required to predict the impact of this variant on GRIN1 protein function. In summary, the currently available evidence indicates that the variant is pathogenic, but additional data are needed to prove that conclusively. Therefore, this variant has been classified as Likely Pathogenic.